The following is an entry in ClinVar:

NM_130839.5(UBE3A):c.2003A>G (p.Asn668Ser)

Genes: SNHG14 (small nucleolar RNA host gene 14; plus strand), UBE3A (ubiquitin protein ligase E3A; minus strand). Cytogenetic location: 15q11.2.
Variant type: single nucleotide variant.
Coding change: c.2003A>G on transcript NM_130839.5 (MANE Select); coding-DNA position 2003, A replaced by G.
Protein change: p.Asn668Ser; replaces asparagine 668 with serine.
Molecular consequence: missense variant. On other transcripts: non-coding transcript variant (1), intron variant (1).
Genome position (GRCh38, 1-based): chr15:25,356,013, T>C on the plus strand (A>G on the coding strand, the complement: UBE3A is on the minus strand). VCF-style: chr15-25356013-T-C. GRCh37 (hg19) VCF-style: chr15-25601160-T-C.
Other names: c.2012A>G, p.Asn671Ser (NM_000462.5); c.2003A>G, p.Asn668Ser (NM_001354505.1, NM_001354538.2, NM_001354545.2); c.1943A>G, p.Asn648Ser (NM_001354506.2, NM_001354507.2, NM_001354508.2 and 16 more transcripts); c.1826A>G, p.Asn609Ser (NM_001354546.2); c.752A>G, p.Asn251Ser (NM_001354550.2); c.692A>G, p.Asn231Ser (NM_001354551.2); c.1899+678A>G (NM_001354549.2); short protein forms N671S, N231S, N251S, N609S, N648S, N668S.
Identifiers: ClinVar variation 644506 (VCV000644506.8), dbSNP rs557434570, ClinGen allele CA7435449.

ClinVar aggregate classification (germline): Uncertain significance. Review status: criteria provided, multiple submitters, no conflicts (2 of 4 stars). 2 submissions from 2 submitters: Uncertain significance (2). Last evaluated 2025-10-20.

Conditions:
UBE3A-related disorder. Also called: UBE3A-related condition.
Angelman syndrome (AS). Also called: HAPPY PUPPET SYNDROME. Identifiers: Orphanet 72, MedGen C0162635, MONDO:0007113, OMIM 105830. Disease mechanism: loss of function. Inheritance: imprinting disorder, AS is caused by disruption of maternally imprinted UBE3A located within the 15q11.2-q13 Angelman syndrome/Prader-Willi syndrome (AS/PWS) region..

Allele frequency attached by ClinVar (database versions not stated): gnomAD exomes below 0.00001 and 0.00001; TOPMed below 0.00001; ExAC 0.00001; gnomAD 0.00001; 1000 Genomes Project 30x 0.00016; 1000 Genomes Project 0.00020.

Submissions (2):

Labcorp Genetics (formerly Invitae), Labcorp
Classification: Uncertain significance for Angelman syndrome. Last evaluated: 2025-10-20. Review status: criteria provided, single submitter. Criteria: Invitae Variant Classification Sherloc (09022015). Collection method: clinical testing. Allele origin: germline.
Comment: This sequence change replaces asparagine, which is neutral and polar, with serine, which is neutral and polar, at codon 648 of the UBE3A protein (p.Asn648Ser). This variant is present in population databases (rs557434570, gnomAD 0.009%). This variant has not been reported in the literature in individuals affected with UBE3A-related conditions. ClinVar contains an entry for this variant (Variation ID: 644506). Invitae Evidence Modeling of protein sequence and biophysical properties (such as structural, functional, and spatial information, amino acid conservation, physicochemical variation, residue mobility, and thermodynamic stability) indicates that this missense variant is not expected to disrupt UBE3A protein function with a negative predictive value of 80%. In summary, the available evidence is currently insufficient to determine the role of this variant in disease. Therefore, it has been classified as a Variant of Uncertain Significance.

PreventionGenetics, part of Exact Sciences
Classification: Uncertain significance for UBE3A-related condition. Last evaluated: 2023-08-08. Review status: criteria provided, single submitter. Criteria: ACMG Guidelines, 2015. Collection method: clinical testing. Allele origin: germline.
Comment: The UBE3A c.1943A>G variant is predicted to result in the amino acid substitution p.Asn648Ser. To our knowledge, this variant has not been reported in the literature. This variant is reported in 0.0046% of alleles in individuals of European (Finnish) descent in gnomAD. At this time, the clinical significance of this variant is uncertain due to the absence of conclusive functional and genetic evidence.